The following is an entry in ClinVar:

NM_001083961.2(WDR62):c.3406C>T (p.Arg1136Ter)

Gene: WDR62 (WD repeat domain 62; plus strand). Cytogenetic location: 19q13.12.
Variant type: single nucleotide variant.
Coding change: c.3406C>T on transcript NM_001083961.2 (MANE Select); coding-DNA position 3406, C replaced by T.
Protein change: p.Arg1136Ter; replaces arginine 1136 with a stop codon.
Molecular consequence: nonsense.
Genome position (GRCh38, 1-based): chr19:36,103,018, C>T. VCF-style: chr19-36103018-C-T. GRCh37 (hg19) VCF-style: chr19-36593920-C-T.
Other names: c.3391C>T, p.Arg1131Ter (NM_001411145.1, NM_173636.5); c.3157C>T, p.Arg1053Ter (NM_001411146.1); c.3055C>T, p.Arg1019Ter (NM_001411147.1); c.3406C>T (NM_001083961.1); short protein forms R1019*, R1053*, R1131*, R1136*.
Identifiers: ClinVar variation 2915521 (VCV002915521.4), dbSNP rs587784556, ClinGen allele CA9396272.

ClinVar aggregate classification (germline): Pathogenic. Review status: criteria provided, multiple submitters, no conflicts (2 of 4 stars). 2 submissions from 2 submitters: Pathogenic (2). Last evaluated 2026-04-01.

Allele frequency attached by ClinVar (database versions not stated): TOPMed below 0.00001; gnomAD 0.00003.
gnomAD v4.1: 9 of 1,613,990 alleles (0.00056%); highest among the groups gnomAD compares: African/African-American, 0.0093%; no homozygotes.

Submissions (2):

GeneDx
Classification: Pathogenic. Last evaluated: 2026-04-01. Review status: criteria provided, single submitter. Criteria: GeneDx Variant Classification Process June 2021. Collection method: clinical testing. Allele origin: germline.
Comment: Not observed at significant frequency in large population cohorts (gnomAD); Nonsense variant predicted to result in protein truncation or nonsense mediated decay in a gene for which loss of function is a known mechanism of disease; This variant is associated with the following publications: (PMID: 41271696, 38693247, 30500859)

Labcorp Genetics (formerly Invitae), Labcorp
Classification: Pathogenic. Last evaluated: 2023-04-28. Review status: criteria provided, single submitter. Criteria: Invitae Variant Classification Sherloc (09022015). Collection method: clinical testing. Allele origin: germline.
Comment: For these reasons, this variant has been classified as Pathogenic. This premature translational stop signal has been observed in individual(s) with autosomal recessive intellectual disability (PMID: 30500859). This variant is present in population databases (rs587784556, gnomAD 0.01%). This sequence change creates a premature translational stop signal (p.Arg1136*) in the WDR62 gene. It is expected to result in an absent or disrupted protein product. Loss-of-function variants in WDR62 are known to be pathogenic (PMID: 20729831).

Literature cited by the submitters: PubMed 30500859 (cited by Labcorp Genetics (formerly Invitae), Labcorp); PubMed 20729831 (cited by Labcorp Genetics (formerly Invitae), Labcorp).